The following is an entry in ClinVar:

ClinVar aggregate classification (germline): Pathogenic/Likely pathogenic. Review status: criteria provided, multiple submitters, no conflicts (2 of 4 stars). 3 submissions from 3 submitters: Pathogenic (2); Likely pathogenic (1). Last evaluated 2026-01-02.

Conditions:
Glycogen storage disease, type V (GSD5). Also called: MCARDLE DISEASE; MUSCLE GLYCOGEN PHOSPHORYLASE DEFICIENCY; MYOPHOSPHORYLASE DEFICIENCY; PYGM DEFICIENCY; McArdle type glycogen storage disease. Identifiers: Orphanet 368, MedGen C0017924, MONDO:0009293, OMIM 232600.

Submissions (3):

Labcorp Genetics (formerly Invitae), Labcorp
Classification: Pathogenic for Glycogen storage disease, type V. Last evaluated: 2026-01-02. Review status: criteria provided, single submitter. Criteria: Invitae Variant Classification Sherloc (09022015). Collection method: clinical testing. Allele origin: germline.
Comment: This sequence change creates a premature translational stop signal (p.Val503Serfs*36) in the PYGM gene. It is expected to result in an absent or disrupted protein product. Loss-of-function variants in PYGM are known to be pathogenic (PMID: 8316268, 16786513). This variant is present in population databases (no rsID available, gnomAD 0.007%). This variant has not been reported in the literature in individuals affected with PYGM-related conditions. ClinVar contains an entry for this variant (Variation ID: 1071212). For these reasons, this variant has been classified as Pathogenic.

Women's Health and Genetics/Laboratory Corporation of America, LabCorp
Classification: Pathogenic for Glycogen storage disease, type V. Last evaluated: 2025-07-02. Review status: criteria provided, single submitter. Criteria: LabCorp Variant Classification Summary - May 2015. Collection method: clinical testing. Allele origin: germline.
Comment: Variant summary: PYGM c.1507delG (p.Val503SerfsX36) results in a premature termination codon, predicted to cause a truncation of the encoded protein or absence of the protein due to nonsense mediated decay, which are commonly known mechanisms for disease. The variant was absent in 251452 control chromosomes. To our knowledge, no occurrence of c.1507delG in individuals affected with Glycogen Storage Disease, Type V and no experimental evidence demonstrating its impact on protein function have been reported. ClinVar contains an entry for this variant (Variation ID: 1071212). Based on the evidence outlined above, the variant was classified as pathogenic.

Revvity Omics, Revvity
Classification: Likely pathogenic for Glycogen storage disease, type V. Last evaluated: 2023-08-11. Review status: criteria provided, single submitter. Criteria: ACMG Guidelines, 2015. Collection method: clinical testing. Allele origin: germline.

Literature cited by the submitters: PubMed 8316268 (cited by Labcorp Genetics (formerly Invitae), Labcorp); PubMed 16786513 (cited by Labcorp Genetics (formerly Invitae), Labcorp).

NM_005609.4(PYGM):c.1507del (p.Val503fs)

Gene: PYGM (glycogen phosphorylase, muscle associated; minus strand). Cytogenetic location: 11q13.1.
Variant type: Deletion.
Coding change: c.1507del on transcript NM_005609.4 (MANE Select); coding-DNA position 1507, one base deleted (G; older notation c.1507delG).
Protein change: p.Val503fs; shifts the reading frame from valine 503.
Molecular consequence: frameshift variant.
Genome position (GRCh38, 1-based): chr11:64,753,084, C deleted on the plus strand (G on the coding strand, the reverse complement: PYGM is on the minus strand); the first of 2 consecutive C bases (chr11:64,753,084-64,753,085); deleting either gives the same sequence. VCF-style (leftmost placement, unchanged base first): chr11-64753083-AC-A. GRCh37 (hg19) VCF-style: chr11-64520555-AC-A.
Other names: c.1507delG (NM_005609.4); c.1243del, p.Val415fs (NM_001164716.1); short protein forms V415fs, V503fs.
Identifiers: ClinVar variation 1071212 (VCV001071212.11), dbSNP rs1272600960, ClinGen allele CA599653404.